The following is an entry in ClinVar:

ClinVar aggregate classification (germline): Conflicting classifications of pathogenicity. Review status: criteria provided, conflicting classifications (1 of 4 stars). 3 submissions from 3 submitters: Uncertain significance (2); Likely benign (1). Last evaluated 2024-11-22.

Conditions:
Inborn genetic diseases. Identifiers: MedGen C0950123, MeSH D030342.
Isolated cryptophthalmia. Also called: Cryptophthalmos, unilateral or bilateral, isolated; ANKYLOBLEPHARON, SIMPLE. Identifiers: Orphanet 91396, MedGen C1852453, MONDO:0007410, OMIM 123570.
Fraser syndrome 2 (FRASRS2). Identifiers: MedGen C4540036, MONDO:0054738, OMIM 617666.

gnomAD v4.1: 102 of 1,614,048 alleles (0.0063%); highest among the groups gnomAD compares: Middle Eastern, 0.066%; no homozygotes.

Submissions (3):

Labcorp Genetics (formerly Invitae), Labcorp
Classification: Uncertain significance. Last evaluated: 2024-11-22. Review status: criteria provided, single submitter. Criteria: Invitae Variant Classification Sherloc (09022015). Collection method: clinical testing. Allele origin: germline.
Comment: This sequence change replaces asparagine, which is neutral and polar, with serine, which is neutral and polar, at codon 967 of the FREM2 protein (p.Asn967Ser). This variant is present in population databases (rs138726274, gnomAD 0.02%). This variant has not been reported in the literature in individuals affected with FREM2-related conditions. Invitae Evidence Modeling of protein sequence and biophysical properties (such as structural, functional, and spatial information, amino acid conservation, physicochemical variation, residue mobility, and thermodynamic stability) indicates that this missense variant is not expected to disrupt FREM2 protein function with a negative predictive value of 80%. In summary, the available evidence is currently insufficient to determine the role of this variant in disease. Therefore, it has been classified as a Variant of Uncertain Significance.

Ambry Genetics
Classification: Likely benign for Inborn genetic diseases. Last evaluated: 2024-07-23. Review status: criteria provided, single submitter. Criteria: Ambry Variant Classification Scheme 2023. Collection method: clinical testing. Allele origin: germline.

Fulgent Genetics
Classification: Uncertain significance for Isolated cryptophthalmia; Fraser syndrome 2. Last evaluated: 2023-12-28. Review status: criteria provided, single submitter. Criteria: ACMG Guidelines, 2015. Collection method: clinical testing. Allele origin: germline.

NM_207361.6(FREM2):c.2900A>G (p.Asn967Ser)

Gene: FREM2 (FRAS1 related extracellular matrix 2; plus strand). Cytogenetic location: 13q13.3.
Variant type: single nucleotide variant.
Coding change: c.2900A>G on transcript NM_207361.6 (MANE Select); coding-DNA position 2900, A replaced by G.
Protein change: p.Asn967Ser; replaces asparagine 967 with serine.
Molecular consequence: missense variant.
Genome position (GRCh38, 1-based): chr13:38,690,244, A>G. VCF-style: chr13-38690244-A-G. GRCh37 (hg19) VCF-style: chr13-39264381-A-G.
Other names: short protein forms N967S.
Identifiers: ClinVar variation 3517093 (VCV003517093.3).